The following is an entry in ClinVar:

NM_001377.3(DYNC2H1):c.2008G>T (p.Glu670Ter)

Gene: DYNC2H1 (dynein cytoplasmic 2 heavy chain 1; plus strand). Cytogenetic location: 11q22.3.
Variant type: single nucleotide variant.
Coding change: c.2008G>T on transcript NM_001377.3 (MANE Select); coding-DNA position 2008, G replaced by T.
Protein change: p.Glu670Ter; replaces glutamic acid 670 with a stop codon.
Molecular consequence: nonsense.
Genome position (GRCh38, 1-based): chr11:103,133,609, G>T. VCF-style: chr11-103133609-G-T. GRCh37 (hg19) VCF-style: chr11-103004338-G-T.
Other names: c.2008G>T, p.Glu670Ter (NM_001080463.2); short protein forms E670*.
Identifiers: ClinVar variation 1451461 (VCV001451461.6), dbSNP rs750682546, ClinGen allele CA382257434.

ClinVar aggregate classification (germline): Pathogenic (1 of 4 stars; one submission).

Conditions:
Jeune thoracic dystrophy. Also called: Jeune syndrome; Infantile thoracic dystrophy; Thoracic pelvic phalangeal dystrophy; Jeune's syndrome; Chondroectodermal dysplasia-like syndrome; Short-rib thoracic dysplasia. Identifiers: Orphanet 474, MedGen C0265275, MONDO:0018770.

gnomAD v4.1: 1 of 1,612,008 alleles (0.000062%); highest among the groups gnomAD compares: Non-Finnish European, 0.000085%; no homozygotes.

Submission:

Labcorp Genetics (formerly Invitae), Labcorp
Classification: Pathogenic for Jeune thoracic dystrophy. Last evaluated: 2025-03-16. Review status: criteria provided, single submitter. Criteria: Invitae Variant Classification Sherloc (09022015). Collection method: clinical testing. Allele origin: germline.
Comment: This sequence change creates a premature translational stop signal (p.Glu670*) in the DYNC2H1 gene. It is expected to result in an absent or disrupted protein product. Loss-of-function variants in DYNC2H1 are known to be pathogenic (PMID: 23339108, 32753734, 33755199). This variant is not present in population databases (gnomAD no frequency). This variant has not been reported in the literature in individuals affected with DYNC2H1-related conditions. ClinVar contains an entry for this variant (Variation ID: 1451461). Algorithms developed to predict the effect of sequence changes on RNA splicing suggest that this variant may disrupt the consensus splice site. For these reasons, this variant has been classified as Pathogenic.

Literature cited by the submitters: PubMed 23339108; PubMed 32753734; PubMed 33755199.